The following is an entry in ClinVar:

NM_002335.4(LRP5):c.4148A>C (p.His1383Pro)

Gene: LRP5 (LDL receptor related protein 5; plus strand). Cytogenetic location: 11q13.2.
Variant type: single nucleotide variant.
Coding change: c.4148A>C on transcript NM_002335.4 (MANE Select); coding-DNA position 4148, A replaced by C.
Protein change: p.His1383Pro; replaces histidine 1383 with proline.
Molecular consequence: missense variant.
Genome position (GRCh38, 1-based): chr11:68,438,482, A>C. VCF-style: chr11-68438482-A-C. GRCh37 (hg19) VCF-style: chr11-68205950-A-C.
Other names: c.2405A>C, p.His802Pro (NM_001291902.2); short protein forms H1383P, H802P.
Identifiers: ClinVar variation 4709866 (VCV004709866.1).

ClinVar aggregate classification (germline): Uncertain significance (1 of 4 stars; one submission).

gnomAD v4.1: 48 of 1,614,204 alleles (0.003%); highest among the groups gnomAD compares: East Asian, 0.11%; no homozygotes.

Submission:

Labcorp Genetics (formerly Invitae), Labcorp
Classification: Uncertain significance. Last evaluated: 2025-07-09. Review status: criteria provided, single submitter. Criteria: Invitae Variant Classification Sherloc (09022015). Collection method: clinical testing. Allele origin: germline.
Comment: This sequence change replaces histidine, which is basic and polar, with proline, which is neutral and non-polar, at codon 1383 of the LRP5 protein (p.His1383Pro). This variant is present in population databases (rs765656433, gnomAD 0.02%). This missense change has been observed in individual(s) with retinopathy (PMID: 23441120). Invitae Evidence Modeling of protein sequence and biophysical properties (such as structural, functional, and spatial information, amino acid conservation, physicochemical variation, residue mobility, and thermodynamic stability) indicates that this missense variant is not expected to disrupt LRP5 protein function with a negative predictive value of 95%. In summary, the available evidence is currently insufficient to determine the role of this variant in disease. Therefore, it has been classified as a Variant of Uncertain Significance.

Literature cited by the submitters: PubMed 23441120.